The following is an entry in ClinVar:

NC_000002.11:g.(?_47999583)_(48030770_?)del

Gene: MSH6 (mutS homolog 6; plus strand). Cytogenetic location: 2p16.3.
Variant type: Deletion.
Identifiers: ClinVar variation 3247083 (VCV003247083.1).

ClinVar aggregate classification (germline): Pathogenic (1 of 4 stars; one submission).

Conditions:
Hereditary nonpolyposis colorectal neoplasms. Identifiers: MedGen C0009405, MeSH D003123.

Submission:

Labcorp Genetics (formerly Invitae), Labcorp
Classification: Pathogenic for Hereditary nonpolyposis colorectal neoplasms. Last evaluated: 2022-07-10. Review status: criteria provided, single submitter. Criteria: Invitae Variant Classification Sherloc (09022015). Collection method: clinical testing. Allele origin: unknown.
Comment: For these reasons, this variant has been classified as Pathogenic. This variant has not been reported in the literature in individuals affected with MSH6-related conditions. This variant results in the deletion of exons 1-4 and part of exon 5 (c.-152_3438del) of the MSH6 gene. It is expected to result in an absent or disrupted protein product. Loss-of-function variants in MSH6 are known to be pathogenic (PMID: 18269114, 24362816).

Literature cited by the submitters: PubMed 18269114; PubMed 24362816.